The following is an entry in ClinVar:

NM_002335.4(LRP5):c.4263del (p.Phe1422fs)

Gene: LRP5 (LDL receptor related protein 5; plus strand). Cytogenetic location: 11q13.2.
Variant type: Deletion.
Coding change: c.4263del on transcript NM_002335.4 (MANE Select); coding-DNA position 4263, one base deleted (C; older notation c.4263delC).
Protein change: p.Phe1422fs; shifts the reading frame from phenylalanine 1422.
Molecular consequence: frameshift variant.
Genome position (GRCh38, 1-based): chr11:68,438,597, C deleted; the last of 3 consecutive C bases (chr11:68,438,595-68,438,597); deleting any one gives the same sequence. VCF-style (leftmost placement, unchanged base first): chr11-68438594-GC-G. GRCh37 (hg19) VCF-style: chr11-68206062-GC-G.
Other names: c.2520del, p.Phe841fs (NM_001291902.2); short protein forms F841fs, F1422fs.
Identifiers: ClinVar variation 1943870 (VCV001943870.6), dbSNP rs936998542, ClinGen allele CA224254725.

ClinVar aggregate classification (germline): Pathogenic/Likely pathogenic. Review status: criteria provided, multiple submitters, no conflicts (2 of 4 stars). 2 submissions from 2 submitters: Pathogenic (1); Likely pathogenic (1). Last evaluated 2024-06-20.

Conditions:
Autosomal dominant osteopetrosis 1 (OPTA1). Also called: OSTEOPETROSIS, AUTOSOMAL DOMINANT, TYPE I. Identifiers: Orphanet 2783, MedGen C1843330, MONDO:0011877, OMIM 607634.
Bone mineral density quantitative trait locus 1 (BMND1). Identifiers: MedGen C1866079, OMIM 601884.
Worth disease. Also called: ENDOSTEAL HYPEROSTOSIS, AUTOSOMAL DOMINANT; OSTEOSCLEROSIS, AUTOSOMAL DOMINANT; Autosomal dominant osteosclerosis, Worth type. Identifiers: Orphanet 2790, MedGen C0432273, MONDO:0007764, OMIM 144750.
Osteoporosis with pseudoglioma (OPPG). Also called: osteoporosis-pseudoglioma syndrome. Identifiers: Orphanet 2788, MedGen C0432252, MONDO:0009820, OMIM 259770.
Polycystic liver disease 4 with or without kidney cysts. Identifiers: MedGen C4693479, MONDO:0044327, OMIM 617875.
Exudative vitreoretinopathy 4 (EVR4). Identifiers: Orphanet 891, MedGen C1866176, MONDO:0011151, OMIM 601813.

Submissions (2):

Fulgent Genetics
Classification: Likely pathogenic for Worth disease; Osteoporosis with pseudoglioma; Exudative vitreoretinopathy 4; Bone mineral density quantitative trait locus 1; Autosomal dominant osteopetrosis 1; Polycystic liver disease 4 with or without kidney cysts. Last evaluated: 2024-06-20. Review status: criteria provided, single submitter. Criteria: ACMG Guidelines, 2015. Collection method: clinical testing. Allele origin: germline.

Labcorp Genetics (formerly Invitae), Labcorp
Classification: Pathogenic. Last evaluated: 2023-11-27. Review status: criteria provided, single submitter. Criteria: Invitae Variant Classification Sherloc (09022015). Collection method: clinical testing. Allele origin: germline.
Comment: This sequence change creates a premature translational stop signal (p.Phe1422Serfs*17) in the LRP5 gene. It is expected to result in an absent or disrupted protein product. Loss-of-function variants in LRP5 are known to be pathogenic (PMID: 11719191, 16252235, 25711638). This variant is not present in population databases (gnomAD no frequency). This variant has not been reported in the literature in individuals affected with LRP5-related conditions. ClinVar contains an entry for this variant (Variation ID: 1943870). For these reasons, this variant has been classified as Pathogenic.

Literature cited by the submitters: PubMed 11719191 (cited by Labcorp Genetics (formerly Invitae), Labcorp); PubMed 16252235 (cited by Labcorp Genetics (formerly Invitae), Labcorp); PubMed 25711638 (cited by Labcorp Genetics (formerly Invitae), Labcorp).